The following is an entry in ClinVar:

ClinVar aggregate classification (germline): Uncertain significance (1 of 4 stars; one submission).

gnomAD v4.1: 2 of 1,614,032 alleles (0.00012%); highest among the groups gnomAD compares: South Asian, 0.0022%; no homozygotes.

Submission:

Women's Health and Genetics/Laboratory Corporation of America, LabCorp
Classification: Uncertain significance. Last evaluated: 2025-11-14. Review status: criteria provided, single submitter. Criteria: LabCorp Variant Classification Summary - May 2015. Collection method: clinical testing. Allele origin: germline.
Comment: Variant summary: COL7A1 c.3832G>A (p.Gly1278Ser) results in a non-conservative amino acid change in the encoded protein sequence. Algorithms developed to predict the effect of missense changes on protein structure and function all suggest that this variant is likely to be disruptive. Consensus agreement among computation tools predict no significant impact on normal splicing. However, these predictions have yet to be confirmed by functional studies. The variant allele was found at a frequency of 8e-06 in 251154 control chromosomes. The available data on variant occurrences in the general population are insufficient to allow any conclusion about variant significance. To our knowledge, no occurrence of c.3832G>A in individuals affected with COL7A1-related conditions and no experimental evidence demonstrating its impact on protein function have been reported. No submitters have cited clinical-significance assessments for this variant to ClinVar. Based on the evidence outlined above, the variant was classified as uncertain significance.

NM_000094.4(COL7A1):c.3832G>A (p.Gly1278Ser)

Gene: COL7A1 (collagen type VII alpha 1 chain; minus strand). Cytogenetic location: 3p21.31.
Variant type: single nucleotide variant.
Coding change: c.3832G>A on transcript NM_000094.4 (MANE Select); coding-DNA position 3832, G replaced by A.
Protein change: p.Gly1278Ser; replaces glycine 1278 with serine.
Molecular consequence: missense variant.
Genome position (GRCh38, 1-based): chr3:48,585,619, C>T on the plus strand (G>A on the coding strand, the complement: COL7A1 is on the minus strand). VCF-style: chr3-48585619-C-T. GRCh37 (hg19) VCF-style: chr3-48623052-C-T.
Other names: short protein forms G1278S.
Identifiers: ClinVar variation 4536714 (VCV004536714.1).